The following is an entry in ClinVar:

ClinVar aggregate classification (germline): Uncertain significance (1 of 4 stars; one submission).

Conditions:
PKD1L1-related disorder. Also called: PKD1L1-related condition.

gnomAD v4.1: 21 of 1,614,044 alleles (0.0013%); highest among the groups gnomAD compares: Non-Finnish European, 0.0017%; no homozygotes.

Submission:

PreventionGenetics, part of Exact Sciences
Classification: Uncertain significance for PKD1L1-related condition. Last evaluated: 2025-03-19. Review status: criteria provided, single submitter. Criteria: ACMG Guidelines, 2015. Collection method: clinical testing. Allele origin: germline.
Comment: The PKD1L1 c.1007T>C variant is predicted to result in the amino acid substitution p.Leu336Pro. To our knowledge, this variant has not been reported in the literature. This variant is reported in 0.00088% of alleles in individuals of European (Non-Finnish) descent in gnomAD. At this time, the clinical significance of this variant is uncertain due to the absence of conclusive functional and genetic evidence.

NM_138295.5(PKD1L1):c.1007T>C (p.Leu336Pro)

Gene: PKD1L1 (polycystin 1 like 1, transient receptor potential channel interacting; minus strand). Cytogenetic location: 7p12.3.
Variant type: single nucleotide variant.
Coding change: c.1007T>C on transcript NM_138295.5 (MANE Select); coding-DNA position 1007, T replaced by C.
Protein change: p.Leu336Pro; replaces leucine 336 with proline.
Molecular consequence: missense variant.
Genome position (GRCh38, 1-based): chr7:47,929,257, A>G on the plus strand (T>C on the coding strand, the complement: PKD1L1 is on the minus strand). VCF-style: chr7-47929257-A-G. GRCh37 (hg19) VCF-style: chr7-47968854-A-G.
Other names: short protein forms L336P.
Identifiers: ClinVar variation 4986229 (VCV004986229.1).